The following is an entry in ClinVar:

ClinVar aggregate classification (germline): Uncertain significance (1 of 4 stars; one submission).

gnomAD v4.1: 11 of 1,614,236 alleles (0.00068%); highest among the groups gnomAD compares: Middle Eastern, 0.05%; no homozygotes.

Submission:

Labcorp Genetics (formerly Invitae), Labcorp
Classification: Uncertain significance. Last evaluated: 2024-10-22. Review status: criteria provided, single submitter. Criteria: Invitae Variant Classification Sherloc (09022015). Collection method: clinical testing. Allele origin: germline.
Comment: This sequence change replaces valine, which is neutral and non-polar, with methionine, which is neutral and non-polar, at codon 91 of the ANKH protein (p.Val91Met). This variant is present in population databases (no rsID available, gnomAD 0.0009%). This variant has not been reported in the literature in individuals affected with ANKH-related conditions. Invitae Evidence Modeling of protein sequence and biophysical properties (such as structural, functional, and spatial information, amino acid conservation, physicochemical variation, residue mobility, and thermodynamic stability) indicates that this missense variant is not expected to disrupt ANKH protein function with a negative predictive value of 80%. In summary, the available evidence is currently insufficient to determine the role of this variant in disease. Therefore, it has been classified as a Variant of Uncertain Significance.

NM_054027.6(ANKH):c.271G>A (p.Val91Met)

Gene: ANKH (ANKH inorganic pyrophosphate transport regulator; minus strand). Cytogenetic location: 5p15.2.
Variant type: single nucleotide variant.
Coding change: c.271G>A on transcript NM_054027.6 (MANE Select); coding-DNA position 271, G replaced by A.
Protein change: p.Val91Met; replaces valine 91 with methionine.
Molecular consequence: missense variant.
Genome position (GRCh38, 1-based): chr5:14,769,017, C>T on the plus strand (G>A on the coding strand, the complement: ANKH is on the minus strand). VCF-style: chr5-14769017-C-T. GRCh37 (hg19) VCF-style: chr5-14769126-C-T.
Other names: short protein forms V91M.
Identifiers: ClinVar variation 3620103 (VCV003620103.2).